The following is an entry in ClinVar:

ClinVar aggregate classification (germline): Uncertain significance (1 of 4 stars; one submission).

gnomAD v4.1: 16 of 1,611,288 alleles (0.00099%); highest among the groups gnomAD compares: Middle Eastern, 0.05%; no homozygotes.

Submission:

Women's Health and Genetics/Laboratory Corporation of America, LabCorp
Classification: Uncertain significance. Last evaluated: 2026-02-03. Review status: criteria provided, single submitter. Criteria: LabCorp Variant Classification Summary - May 2015. Collection method: clinical testing. Allele origin: germline.
Comment: Variant summary: CIC c.3166C>G (p.Leu1056Val) results in a conservative amino acid change in the encoded protein sequence. Algorithms developed to predict the effect of missense changes on protein structure and function are either unavailable or do not agree on the potential impact of this missense change. The variant allele was found at a frequency of 4.1e-06 in 244552 control chromosomes. The available data on variant occurrences in the general population are insufficient to allow any conclusion about variant significance. To our knowledge, no occurrence of c.3166C>G in individuals affected with CIC-related conditions and no experimental evidence demonstrating its impact on protein function have been reported. No submitters have cited clinical-significance assessments for this variant to ClinVar. Based on the evidence outlined above, the variant was classified as uncertain significance.

NM_001386298.1(CIC):c.5893C>G (p.Leu1965Val)

Gene: CIC (capicua transcriptional repressor; plus strand). Cytogenetic location: 19q13.2.
Variant type: single nucleotide variant.
Coding change: c.5893C>G on transcript NM_001386298.1 (MANE Select); coding-DNA position 5893, C replaced by G.
Protein change: p.Leu1965Val; replaces leucine 1965 with valine.
Molecular consequence: missense variant.
Genome position (GRCh38, 1-based): chr19:42,292,457, C>G. VCF-style: chr19-42292457-C-G. GRCh37 (hg19) VCF-style: chr19-42796609-C-G.
Other names: c.5893C>G, p.Leu1965Val (NM_001304815.2, NM_001379480.1, NM_001379482.1 and 6 more transcripts); c.3166C>G, p.Leu1056Val (NM_001379484.1, NM_001379485.1, NM_001439189.1 and 3 more transcripts); short protein forms L1056V, L1965V.
Identifiers: ClinVar variation 4848055 (VCV004848055.1).
Genomic context (GRCh38, chr19:42,292,457, plus strand): 5'-AGCTCTGTAGCTCTAGGCTTCACCTCGCTGGGGCCCAGCGGCCCCGCCTTCGTGCAGCCC[C>G]TGCTCTCAGGTGAGGGGCGGCCTGGCAGGCAGTGCTGGGGACCCAGGGTGGGGCTGAGGC-3'
Protein context (NP_001373227.1, residues 1955-1975): GPSGPAFVQP[Leu1965Val]LSAGQAPLLA